The following is an entry in ClinVar:

ClinVar aggregate classification (germline): Likely pathogenic (1 of 4 stars; one submission).

Submission:

GeneDx
Classification: Likely pathogenic. Last evaluated: 2017-08-09. Review status: criteria provided, single submitter. Criteria: GeneDx Variant Classification (06012015). Collection method: clinical testing. Allele origin: germline. Affected: yes.
Comment: The W194R variant in the ERCC8 gene has not been reported previously as a pathogenic variant, nor as a benign variant, to our knowledge. However, a different missense variant at the same residue, W194C, has been identified in the compound heterozygous state with a second ERCC8 variant in a patient with Cockayne syndrome (Laugel et al., 2010). The W194R variant is not observed in large population cohorts (Lek et al., 2016; 1000 Genomes Consortium et al., 2015; Exome Variant Server). The W194R variant is a non-conservative amino acid substitution, which is likely to impact secondary protein structure as these residues differ in polarity, charge, size and/or other properties. This substitution occurs at a position that is conserved across species. In silico analysis predicts this variant is probably damaging to the protein structure/function. We interpret W194R as a likely pathogenic variant.

NM_000082.4(ERCC8):c.580T>C (p.Trp194Arg)

Gene: ERCC8 (ERCC excision repair 8, CSA ubiquitin ligase complex subunit; minus strand). Cytogenetic location: 5q12.1.
Variant type: single nucleotide variant.
Coding change: c.580T>C on transcript NM_000082.4 (MANE Select); coding-DNA position 580, T replaced by C.
Protein change: p.Trp194Arg; replaces tryptophan 194 with arginine.
Molecular consequence: missense variant.
Genome position (GRCh38, 1-based): chr5:60,902,479, A>G on the plus strand (T>C on the coding strand, the complement: ERCC8 is on the minus strand). VCF-style: chr5-60902479-A-G. GRCh37 (hg19) VCF-style: chr5-60198306-A-G.
Other names: c.406T>C, p.Trp136Arg (NM_001007233.3); c.121T>C, p.Trp41Arg (NM_001290285.2); short protein forms W194R, W136R, W41R.
Identifiers: ClinVar variation 450829 (VCV000450829.2), dbSNP rs1554073311, ClinGen allele CA359825933.